The following is an entry in ClinVar:

ClinVar aggregate classification (germline): Uncertain significance (1 of 4 stars; one submission).

Submission:

Laboratory for Molecular Medicine, Mass General Brigham Personalized Medicine
Classification: Uncertain significance. Last evaluated: 2015-03-06. Review status: criteria provided, single submitter. Criteria: LMM Criteria. Collection method: clinical testing. Allele origin: germline. Observed: 1 variant allele.
Comment: Variant classified as Uncertain Significance - Favor Benign. The p.Gly405Ser var iant in DFNA5 has not been previously reported in individuals with hearing loss and was absent from large population studies. The glycine (Gly) at position 405 is not conserved in mammals or evolutionary distant species, with two mammals ( elephant and manatee) having a serine (Ser) at this position, supporting that a change at this position may be tolerated. Additional computational prediction to ols suggest that the p.Gly405Ser variant may not impact the protein, though this information is not predictive enough to rule out pathogenicity. Pathogenic var iants in DFNA5 reported to date result in skipping of exon 8. This variant is no t predicted to impact splicing; however, functional studies are needed to comple tely rule out an impact to splicing. In summary, while the clinical significance of the p.Gly405Ser variant is uncertain, these data suggest that it is more lik ely to be benign.

NM_001127453.2(GSDME):c.1213G>A (p.Gly405Ser)

Gene: GSDME (gasdermin E; minus strand). Cytogenetic location: 7p15.3.
Variant type: single nucleotide variant.
Coding change: c.1213G>A on transcript NM_001127453.2 (MANE Select); coding-DNA position 1213, G replaced by A.
Protein change: p.Gly405Ser; replaces glycine 405 with serine.
Molecular consequence: missense variant.
Genome position (GRCh38, 1-based): chr7:24,702,804, C>T on the plus strand (G>A on the coding strand, the complement: GSDME is on the minus strand). VCF-style: chr7-24702804-C-T. GRCh37 (hg19) VCF-style: chr7-24742423-C-T.
Other names: c.721G>A, p.Gly241Ser (NM_001127454.2); c.1213G>A, p.Gly405Ser (NM_004403.3); short protein forms G405S, G241S.
Identifiers: ClinVar variation 228556 (VCV000228556.4), dbSNP rs566450742, ClinGen allele CA10576725.